The following is an entry in ClinVar:

ClinVar aggregate classification (germline): Uncertain significance (1 of 4 stars; one submission).

gnomAD v4.1: 14 of 1,614,132 alleles (0.00087%); highest among the groups gnomAD compares: Admixed American, 0.0033%; 1 homozygote.

Submission:

Labcorp Genetics (formerly Invitae), Labcorp
Classification: Uncertain significance. Last evaluated: 2024-02-07. Review status: criteria provided, single submitter. Criteria: Invitae Variant Classification Sherloc (09022015). Collection method: clinical testing. Allele origin: germline.
Comment: This sequence change replaces threonine, which is neutral and polar, with isoleucine, which is neutral and non-polar, at codon 216 of the SHPK protein (p.Thr216Ile). This variant is present in population databases (rs763517303, gnomAD 0.004%). This variant has not been reported in the literature in individuals affected with SHPK-related conditions. ClinVar contains an entry for this variant (Variation ID: 1378462). Algorithms developed to predict the effect of missense changes on protein structure and function output the following: SIFT: "Not Available"; PolyPhen-2: "Benign"; Align-GVGD: "Not Available". The isoleucine amino acid residue is found in multiple mammalian species, which suggests that this missense change does not adversely affect protein function. In summary, the available evidence is currently insufficient to determine the role of this variant in disease. Therefore, it has been classified as a Variant of Uncertain Significance.

NM_013276.4(SHPK):c.647C>T (p.Thr216Ile)

Gene: SHPK (sedoheptulokinase; minus strand). Cytogenetic location: 17p13.2.
Variant type: single nucleotide variant.
Coding change: c.647C>T on transcript NM_013276.4 (MANE Select); coding-DNA position 647, C replaced by T.
Protein change: p.Thr216Ile; replaces threonine 216 with isoleucine.
Molecular consequence: missense variant.
Genome position (GRCh38, 1-based): chr17:3,623,339, G>A on the plus strand (C>T on the coding strand, the complement: SHPK is on the minus strand). VCF-style: chr17-3623339-G-A. GRCh37 (hg19) VCF-style: chr17-3526633-G-A.
Other names: short protein forms T216I.
Identifiers: ClinVar variation 1378462 (VCV001378462.6), dbSNP rs763517303, ClinGen allele CA8291268.